The following is an entry in ClinVar:

ClinVar aggregate classification (germline): Likely benign. Review status: criteria provided, multiple submitters, no conflicts (2 of 4 stars). 2 submissions from 2 submitters: Likely benign (2). Last evaluated 2026-01-20.

Conditions:
Early-infantile DEE. Also called: Ohtahara syndrome; Early infantile epileptic encephalopathy with suppression bursts; Early infantile epileptic encephalopathy. Identifiers: Orphanet 1934, MedGen C0393706, MONDO:0800491.

Allele frequency attached by ClinVar (database versions not stated): gnomAD exomes below 0.00001 and 0.00001; gnomAD 0.00001; TOPMed 0.00001.
gnomAD v4.1: 19 of 1,614,030 alleles (0.0012%); highest among the groups gnomAD compares: Non-Finnish European, 0.0015%; no homozygotes.

Submissions (2):

Labcorp Genetics (formerly Invitae), Labcorp
Classification: Likely benign for Early-infantile DEE. Last evaluated: 2026-01-20. Review status: criteria provided, single submitter. Criteria: Invitae Variant Classification Sherloc (09022015). Collection method: clinical testing. Allele origin: germline.

GeneDx
Classification: Likely benign. Last evaluated: 2016-03-24. Review status: criteria provided, single submitter. Criteria: GeneDx Variant Classification (06012015). Collection method: clinical testing. Allele origin: germline. Affected: yes.
Comment: This variant is considered likely benign or benign based on one or more of the following criteria: it is a conservative change, it occurs at a poorly conserved position in the protein, it is predicted to be benign by multiple in silico algorithms, and/or has population frequency not consistent with disease.

NM_001130438.3(SPTAN1):c.505-18C>T

Gene: SPTAN1 (spectrin alpha, non-erythrocytic 1; plus strand). Cytogenetic location: 9q34.11.
Variant type: single nucleotide variant.
Coding change: c.505-18C>T on transcript NM_001130438.3 (MANE Select); 18 bases into the intron before coding-DNA position 505, C replaced by T.
Molecular consequence: intron variant.
Genome position (GRCh38, 1-based): chr9:128,575,181, C>T. VCF-style: chr9-128575181-C-T. GRCh37 (hg19) VCF-style: chr9-131337460-C-T.
Other names: c.505-18C>T (NM_001363759.2, NM_003127.4, NM_001363765.2 and 1 more transcripts).
Identifiers: ClinVar variation 384927 (VCV000384927.5), dbSNP rs1057522078, ClinGen allele CA16605507.
Genomic context (GRCh38, chr9:128,575,181, plus strand): 5'-TGTCTGTTTGATGTTTCTGGAAGCCATTGTTAACAAATGTTGGTTGGTGACTCTGGCTCT[C>T]TTATGGTCCCTGAATAGGAAGCAATTGTTACTTCTGAAGAGCTGGGCCAGGATCTGGAGC-3'